The following is an entry in ClinVar:

NM_201384.3(PLEC):c.3492G>C (p.Gln1164His)

Gene: PLEC (plectin; minus strand). Cytogenetic location: 8q24.3.
Variant type: single nucleotide variant.
Coding change: c.3492G>C on transcript NM_201384.3 (MANE Select); coding-DNA position 3492, G replaced by C.
Protein change: p.Gln1164His; replaces glutamine 1164 with histidine.
Molecular consequence: missense variant.
Genome position (GRCh38, 1-based): chr8:143,927,674, C>G on the plus strand (G>C on the coding strand, the complement: PLEC is on the minus strand). VCF-style: chr8-143927674-C-G. GRCh37 (hg19) VCF-style: chr8-145001842-C-G.
Other names: c.3573G>C, p.Gln1191His (NM_000445.5); c.3450G>C, p.Gln1150His (NM_201378.4); c.3426G>C, p.Gln1142His (NM_201379.3); c.3903G>C, p.Gln1301His (NM_201380.4); c.3396G>C, p.Gln1132His (NM_201381.3); c.3492G>C, p.Gln1164His (NM_201382.4); c.3504G>C, p.Gln1168His (NM_201383.3); short protein forms Q1164H, Q1168H, Q1132H, Q1142H, Q1150H, Q1191H, Q1301H.
Identifiers: ClinVar variation 1479164 (VCV001479164.8), dbSNP rs1554708243, ClinGen allele CA372565912.
Genomic context (GRCh38, chr8:143,927,674, plus strand): 5'-CAACTGGGCGACCCGCTCCCGCCAGCGCTCCACCTCCACGTCCCGCTCCCCGTGCCGCTG[C>G]TGCAGTCGCTCCCCCACCTCCTGTGCCCCCCGCAGCTCATCCCGCAGGGCGTCGAACGTG-3'
Protein context (NP_958786.1, residues 1154-1174): RGAQEVGERL[Gln1164His]QRHGERDVEV

ClinVar aggregate classification (germline): Uncertain significance (1 of 4 stars; one submission).

Conditions:
Autosomal recessive limb-girdle muscular dystrophy type 2Q (LGMDR17). Also called: MUSCULAR DYSTROPHY, LIMB-GIRDLE, AUTOSOMAL RECESSIVE 17. Identifiers: Orphanet 254361, MedGen C3150989, MONDO:0013390, OMIM 613723.
Epidermolysis bullosa simplex 5B, with muscular dystrophy (EBS5B). Also called: EPIDERMOLYSIS BULLOSA SIMPLEX AND LIMB-GIRDLE MUSCULAR DYSTROPHY; Epidermolysis bullosa simplex with muscular dystrophy. Identifiers: Orphanet 257, MedGen C2931072, MONDO:0009181, OMIM 226670.
Epidermolysis bullosa simplex, Ogna type (EBS5A). Also called: Pidermolysis bullosa simplex 5A, Ogna type; EPIDERMOLYSIS BULLOSA SIMPLEX 5A, OGNA TYPE. Identifiers: Orphanet 79401, MedGen C0432317, MONDO:0007555, OMIM 131950.
Epidermolysis bullosa simplex with nail dystrophy (EBS5D). Identifiers: MedGen C4225309, MONDO:0014661, OMIM 616487.
Epidermolysis bullosa simplex 5C, with pyloric atresia (EBS5C). Also called: Epidermolysis bullosa simplex with pyloric atresia; PLEC1-Related Epidermolysis Bullosa with Pyloric Atresia; PLEC-Related Epidermolysis Bullosa with Pyloric Atresia. Identifiers: Orphanet 158684, MedGen C2677349, MONDO:0012807, OMIM 612138.

Submission:

Labcorp Genetics (formerly Invitae), Labcorp
Classification: Uncertain significance for Autosomal recessive limb-girdle muscular dystrophy type 2Q; Epidermolysis bullosa simplex, Ogna type; Epidermolysis bullosa simplex with nail dystrophy; Epidermolysis bullosa simplex 5C, with pyloric atresia; Epidermolysis bullosa simplex 5B, with muscular dystrophy. Last evaluated: 2024-10-29. Review status: criteria provided, single submitter. Criteria: Invitae Variant Classification Sherloc (09022015). Collection method: clinical testing. Allele origin: germline.
Comment: This sequence change replaces glutamine, which is neutral and polar, with histidine, which is basic and polar, at codon 1191 of the PLEC protein (p.Gln1191His). This variant is not present in population databases (gnomAD no frequency). This variant has not been reported in the literature in individuals affected with PLEC-related conditions. ClinVar contains an entry for this variant (Variation ID: 1479164). Invitae Evidence Modeling of protein sequence and biophysical properties (such as structural, functional, and spatial information, amino acid conservation, physicochemical variation, residue mobility, and thermodynamic stability) indicates that this missense variant is not expected to disrupt PLEC protein function with a negative predictive value of 80%. In summary, the available evidence is currently insufficient to determine the role of this variant in disease. Therefore, it has been classified as a Variant of Uncertain Significance.